The following is an entry in ClinVar:

NM_139058.3(ARX):c.919G>T (p.Gly307Cys)

Gene: ARX (aristaless related homeobox; minus strand). Cytogenetic location: Xp21.3.
Variant type: single nucleotide variant.
Coding change: c.919G>T on transcript NM_139058.3 (MANE Select); coding-DNA position 919, G replaced by T.
Protein change: p.Gly307Cys; replaces glycine 307 with cysteine.
Molecular consequence: missense variant.
Genome position (GRCh38, 1-based): chrX:25,013,076, C>A on the plus strand (G>T on the coding strand, the complement: ARX is on the minus strand). VCF-style: chrX-25013076-C-A. GRCh37 (hg19) VCF-style: chrX-25031193-C-A.
Other names: short protein forms G307C.
Identifiers: ClinVar variation 1695456 (VCV001695456.4), dbSNP rs1792748307, ClinGen allele CA412612163.

ClinVar aggregate classification (germline): Uncertain significance (1 of 4 stars; one submission).

Allele frequency attached by ClinVar (database versions not stated): TOPMed below 0.00001.

Submission:

GeneDx
Classification: Uncertain significance. Last evaluated: 2026-08-25. Review status: criteria provided, single submitter. Criteria: GeneDx Variant Classification Process June 2021. Collection method: clinical testing. Allele origin: germline.
Comment: Not observed at significant frequency in large population cohorts (gnomAD); In silico analysis supports that this missense variant has a deleterious effect on protein structure/function; Has not been previously published as pathogenic or benign to our knowledge